The following is an entry in ClinVar:

NM_001034850.3(RETREG1):c.691C>T (p.Pro231Ser)

Gene: RETREG1 (reticulophagy regulator 1; minus strand). Cytogenetic location: 5p15.1.
Variant type: single nucleotide variant.
Coding change: c.691C>T on transcript NM_001034850.3 (MANE Select); coding-DNA position 691, C replaced by T.
Protein change: p.Pro231Ser; replaces proline 231 with serine.
Molecular consequence: missense variant.
Genome position (GRCh38, 1-based): chr5:16,478,967, G>A on the plus strand (C>T on the coding strand, the complement: RETREG1 is on the minus strand). VCF-style: chr5-16478967-G-A. GRCh37 (hg19) VCF-style: chr5-16479076-G-A.
Other names: c.268C>T, p.Pro90Ser (NM_019000.5); short protein forms P231S, P90S.
Identifiers: ClinVar variation 566340 (VCV000566340.9), dbSNP rs1389950630, ClinGen allele CA359258807.

ClinVar aggregate classification (germline): Uncertain significance (1 of 4 stars; one submission).

gnomAD v4.1: 2 of 1,611,772 alleles (0.00012%); highest among the groups gnomAD compares: Admixed American, 0.0033%; no homozygotes.

Submission:

Labcorp Genetics (formerly Invitae), Labcorp
Classification: Uncertain significance. Last evaluated: 2018-05-18. Review status: criteria provided, single submitter. Criteria: Invitae Variant Classification Sherloc (09022015). Collection method: clinical testing. Allele origin: germline.
Comment: In summary, the available evidence is currently insufficient to determine the role of this variant in disease. Therefore, it has been classified as a Variant of Uncertain Significance. Algorithms developed to predict the effect of missense changes on protein structure and function (SIFT, PolyPhen-2, Align-GVGD) all suggest that this variant is likely to be disruptive, but these predictions have not been confirmed by published functional studies and their clinical significance is uncertain. This variant has not been reported in the literature in individuals with FAM134B-related disease. This variant is not present in population databases (ExAC no frequency). This sequence change replaces proline with serine at codon 231 of the FAM134B protein (p.Pro231Ser). The proline residue is highly conserved and there is a moderate physicochemical difference between proline and serine.